The following is an entry in ClinVar:

NM_000214.3(JAG1):c.3649A>C (p.Ile1217Leu)

Gene: JAG1 (jagged canonical Notch ligand 1; minus strand). Cytogenetic location: 20p12.2.
Variant type: single nucleotide variant.
Coding change: c.3649A>C on transcript NM_000214.3 (MANE Select); coding-DNA position 3649, A replaced by C.
Protein change: p.Ile1217Leu; replaces isoleucine 1217 with leucine.
Molecular consequence: missense variant.
Genome position (GRCh38, 1-based): chr20:10,639,506, T>G on the plus strand (A>C on the coding strand, the complement: JAG1 is on the minus strand). VCF-style: chr20-10639506-T-G. GRCh37 (hg19) VCF-style: chr20-10620154-T-G.
Other names: c.3649A>C (NM_000214.2); short protein forms I1217L.
Identifiers: ClinVar variation 2875484 (VCV002875484.4), dbSNP rs780200722, ClinGen allele CA9764168.

ClinVar aggregate classification (germline): Conflicting classifications of pathogenicity. Review status: criteria provided, conflicting classifications (1 of 4 stars). 2 submissions from 2 submitters: Uncertain significance (1); Likely benign (1). Last evaluated 2025-07-09.

Conditions:
Alagille syndrome due to a JAG1 point mutation. Also called: JAG1-Related Alagille Syndrome; HEPATIC DUCTULAR HYPOPLASIA, SYNDROMATIC; Alagille Syndrome 1. Identifiers: Orphanet 261619, Orphanet 52, MedGen C1956125, MONDO:0016862, OMIM 118450.
Cardiovascular phenotype. Identifiers: MedGen CN230736.

Allele frequency attached by ClinVar (database versions not stated): ExAC 0.00001; gnomAD 0.00001; gnomAD exomes 0.00002.
gnomAD v4.1: 30 of 1,613,954 alleles (0.0019%); highest among the groups gnomAD compares: Non-Finnish European, 0.0025%; no homozygotes.

Submissions (2):

Ambry Genetics
Classification: Uncertain significance for Cardiovascular phenotype. Last evaluated: 2025-07-09. Review status: criteria provided, single submitter. Criteria: Ambry Variant Classification Scheme 2023. Collection method: clinical testing. Allele origin: germline.
Comment: The p.I1217L variant (also known as c.3649A>C), located in coding exon 26 of the JAG1 gene, results from an A to C substitution at nucleotide position 3649. The isoleucine at codon 1217 is replaced by leucine, an amino acid with highly similar properties. This amino acid position is conserved. In addition, the in silico prediction for this alteration is inconclusive. Based on the available evidence, the clinical significance of this variant remains unclear.

Labcorp Genetics (formerly Invitae), Labcorp
Classification: Likely benign for Alagille syndrome due to a JAG1 point mutation. Last evaluated: 2023-11-21. Review status: criteria provided, single submitter. Criteria: Invitae Variant Classification Sherloc (09022015). Collection method: clinical testing. Allele origin: germline.